The following is an entry in ClinVar:

NM_001130987.2(DYSF):c.895_896del (p.Phe299fs)

Gene: DYSF (dysferlin; plus strand). Cytogenetic location: 2p13.2.
Variant type: Deletion.
Coding change: c.895_896del on transcript NM_001130987.2 (MANE Select); coding-DNA positions 895 to 896, 2 bases deleted (TT; older notation c.895_896delTT).
Protein change: p.Phe299fs; shifts the reading frame from phenylalanine 299.
Molecular consequence: frameshift variant.
Genome position (GRCh38, 1-based): chr2:71,516,186-71,516,187, TT deleted; deleting any 2 consecutive bases within chr2:71,516,184-71,516,187 gives the same sequence; the c. name uses the placement nearest the transcript's 3' end. VCF-style (leftmost placement, unchanged base first): chr2-71516183-CTT-C. GRCh37 (hg19) VCF-style: chr2-71743313-CTT-C.
Other names: NM_001130987.2(DYSF):c.895_896del; p.Phe299fs; c.802_803del, p.Phe268fs (NM_001130455.2, NM_001130983.2, NM_001130984.2 and 1 more transcripts); c.799_800del, p.Phe267fs (NM_001130976.2, NM_001130977.2, NM_001130978.2 and 1 more transcripts); c.892_893del, p.Phe298fs (NM_001130979.2, NM_001130980.2, NM_001130981.2); c.895_896del, p.Phe299fs (NM_001130982.2, NM_001130985.2); short protein forms F267fs, F298fs, F268fs, F299fs.
Identifiers: ClinVar variation 639814 (VCV000639814.11), dbSNP rs1337417322, ClinGen allele CA533253809.

ClinVar aggregate classification (germline): Pathogenic. Review status: reviewed by expert panel (3 of 4 stars). 3 submissions from 3 submitters: Pathogenic (1). 2 of the submissions do not count toward it. Last evaluated 2025-05-28.

Conditions:
Neuromuscular disease caused by qualitative or quantitative defects of dysferlin. Also called: Dysferlinopathy; Qualitative or quantitative defects of dysferlin. Identifiers: Orphanet 207073, MedGen C2931687, MONDO:0016145.
Autosomal recessive limb-girdle muscular dystrophy type 2B (LGMDR2). Also called: Limb-girdle muscular dystrophy, type 2B; MUSCULAR DYSTROPHY, LIMB-GIRDLE, TYPE 3; MUSCULAR DYSTROPHY, LIMB-GIRDLE, AUTOSOMAL RECESSIVE 2; Limb-Girdle Muscular Dystrophy Type 2B (LGMD2B). Identifiers: Orphanet 268, MedGen C1850889, MONDO:0009676, OMIM 253601.
Autosomal recessive limb-girdle muscular dystrophy. Identifiers: Orphanet 102015, MedGen C2931907, MONDO:0015152.

Submissions (3):

ClinGen Limb Girdle Muscular Dystrophy Variant Curation Expert Panel, ClinGen
Classification: Pathogenic for Autosomal recessive limb-girdle muscular dystrophy. Last evaluated: 2025-05-28. Review status: reviewed by expert panel. Criteria: ClinGen LGMD VCEP ACMG Specifications DYSF V1.0.0. Collection method: curation. Allele origin: germline. Inheritance: Autosomal recessive inheritance.
Comment: The NM_003494.4: c.799_800del p.(Phe267LeufsTer5) variant in DYSF, which is also known as NM_001130987.2: c.895_896del p.(Phe299LeufsTer5), is a frameshift variant predicted to cause a premature stop codon in biologically relevant exon 8/55, leading to nonsense mediated decay in a gene in which loss of function is an established disease mechanism (PVS1). This variant has been reported in at least seven patients with suspected LGMD or dysferlinopathy (PMID: 18853459, 25591676, 27647186, 30107846), including in a homozygous state in at least one individual with no known familial consanguinity (0.5 pts, PMID: 27647186; PM3_Supporting). At least one patient with this variant and a second presumed diagnostic DYSF variant had a clinical diagnosis of LGMD and absent dysferlin protein expression, which is highly specific for DYSF-related LGMD (PMID: 18853459; PP4_Strong). The highest minor allele frequency for this variant is 0.00002519 in the East Asian population in gnomAD v4.1.0 (1/39700 exome chromosomes), which is lower than the ClinGen LGMD VCEP threshold (0.0001) for PM2_Supporting, and therefore meets this criterion (PM2_Supporting). In summary, this variant meets the criteria to be classified as Pathogenic for autosomal recessive limb girdle muscular dystrophy based on the ACMG/AMP criteria applied, as specified by the ClinGen LGMD VCEP (LGMD VCEP specifications version 1.0.0; 05/28/2025): PVS1, PM3_Supporting, PP4_Strong, PM2_Supporting.

Labcorp Genetics (formerly Invitae), Labcorp
Classification: Pathogenic for Neuromuscular disease caused by qualitative or quantitative defects of dysferlin. Last evaluated: 2020-03-28. Review status: criteria provided, single submitter. Criteria: Invitae Variant Classification Sherloc (09022015). Collection method: clinical testing. Allele origin: germline. Not counted in ClinVar's aggregate classification.
Comment: This variant has been observed in several individuals affected with dysferlinopathies (PMID: 18853459, 25591676, 27647186). Loss-of-function variants in DYSF are known to be pathogenic (PMID: 17698709, 20301480). This variant is not present in population databases (ExAC no frequency). This sequence change creates a premature translational stop signal (p.Phe267Leufs*5) in the DYSF gene. It is expected to result in an absent or disrupted protein product. For these reasons, this variant has been classified as Pathogenic.

Natera, Inc.
Classification: Pathogenic for Limb-girdle muscular dystrophy type 2B. Last evaluated: 2020-12-27. Review status: no assertion criteria provided. Collection method: clinical testing. Allele origin: germline. Not counted in ClinVar's aggregate classification.

Literature cited by the submitters: PubMed 18853459 (cited by Labcorp Genetics (formerly Invitae), Labcorp); PubMed 25591676 (cited by Labcorp Genetics (formerly Invitae), Labcorp); PubMed 27647186 (cited by Labcorp Genetics (formerly Invitae), Labcorp); PubMed 17698709 (cited by Labcorp Genetics (formerly Invitae), Labcorp); PubMed 20301480 (cited by Labcorp Genetics (formerly Invitae), Labcorp).